The following is an entry in ClinVar:

ClinVar aggregate classification (germline): Likely pathogenic. Review status: criteria provided, multiple submitters, no conflicts (2 of 4 stars). 4 submissions from 4 submitters: Likely pathogenic (3). 1 of the submissions does not count toward it. Last evaluated 2026-05-28.

Conditions:
Mucopolysaccharidosis, MPS-III-D (MPS3D). Also called: SANFILIPPO SYNDROME D; MPS III D; Mucopoly-saccharidosis type 3D; N-acetylglucosamine-6-sulfate sulfatase deficiency; MPS 3D; N-ACETYLGLUCOSAMINE-6-SULFATASE DEFICIENCY. Identifiers: Orphanet 581, Orphanet 79272, MedGen C0086650, MONDO:0009658, OMIM 252940.
Sanfilippo syndrome. Also called: Mucopolysaccharidosis type 3; Mucopolysaccharidosis Type III; Sanfilippo disease. Identifiers: Orphanet 581, MedGen C0026706, MONDO:0018937.

Allele frequency attached by ClinVar (database versions not stated): gnomAD exomes 0.00001 and below 0.00001; gnomAD 0.00003 and 0.00002; ExAC 0.00001; TOPMed 0.00002.
gnomAD v4.1: 7 of 1,551,912 alleles (0.00045%); highest among the groups gnomAD compares: Non-Finnish European, 0.00062%; no homozygotes.

Submissions (4):

Women's Health and Genetics/Laboratory Corporation of America, LabCorp
Classification: Likely pathogenic for Mucopolysaccharidosis, MPS-III-D. Last evaluated: 2026-05-28. Review status: criteria provided, single submitter. Criteria: LabCorp Variant Classification Summary - May 2015. Collection method: clinical testing. Allele origin: germline.
Comment: Variant summary: GNS c.1308+2T>C is located in a canonical splice-site and is predicted to affect mRNA splicing resulting in a significantly altered protein due to either exon skipping, shortening, or inclusion of intronic material. Variants that disrupt the consensus splice site are a relatively common cause of aberrant splicing and loss of GNS function. Several computational tools predict a significant impact on normal splicing: Three predict the variant abolishes a canonical 5' splicing donor site. However, these predictions have yet to be confirmed by functional studies. The variant allele was found at a frequency of 8e-06 in 251300 control chromosomes. To our knowledge, no occurrence of c.1308+2T>C in individuals affected with GNS-related conditions and no experimental evidence demonstrating its impact on protein function have been reported. ClinVar contains an entry for this variant (Variation ID: 842217). Based on the evidence outlined above, the variant was classified as likely pathogenic.

GeneDx
Classification: Likely pathogenic. Last evaluated: 2026-03-04. Review status: criteria provided, single submitter. Criteria: GeneDx Variant Classification Process June 2021. Collection method: clinical testing. Allele origin: germline.
Comment: Canonical splice site variant predicted to result in an in-frame loss of the adjacent exon in a gene for which loss of function is a known mechanism of disease; Not observed at significant frequency in large population cohorts (gnomAD); Has not been previously published as pathogenic or benign to our knowledge

Labcorp Genetics (formerly Invitae), Labcorp
Classification: Likely pathogenic for Mucopolysaccharidosis, MPS-III-D. Last evaluated: 2025-03-28. Review status: criteria provided, single submitter. Criteria: Invitae Variant Classification Sherloc (09022015). Collection method: clinical testing. Allele origin: germline.
Comment: This sequence change affects a donor splice site in intron 11 of the GNS gene. It is expected to disrupt RNA splicing. Variants that disrupt the donor or acceptor splice site typically lead to a loss of protein function (PMID: 16199547), and loss-of-function variants in GNS are known to be pathogenic (PMID: 20232353). This variant is present in population databases (rs750645480, gnomAD 0.002%). This variant has not been reported in the literature in individuals affected with GNS-related conditions. ClinVar contains an entry for this variant (Variation ID: 842217). Algorithms developed to predict the effect of sequence changes on RNA splicing suggest that this variant may disrupt the consensus splice site. In summary, the currently available evidence indicates that the variant is pathogenic, but additional data are needed to prove that conclusively. Therefore, this variant has been classified as Likely Pathogenic.

Natera, Inc.
Classification: Likely pathogenic for Sanfilippo disease. Last evaluated: 2020-09-16. Review status: no assertion criteria provided. Collection method: clinical testing. Allele origin: germline. Not counted in ClinVar's aggregate classification.

Literature cited by the submitters: PubMed 16199547 (cited by Labcorp Genetics (formerly Invitae), Labcorp); PubMed 20232353 (cited by Labcorp Genetics (formerly Invitae), Labcorp).

NM_002076.4(GNS):c.1308+2T>C

Gene: GNS (glucosamine (N-acetyl)-6-sulfatase; minus strand). Cytogenetic location: 12q14.3.
Variant type: single nucleotide variant.
Coding change: c.1308+2T>C on transcript NM_002076.4 (MANE Select); the canonical splice donor site of the intron after coding-DNA position 1308, T replaced by C.
Molecular consequence: splice donor variant.
Genome position (GRCh38, 1-based): chr12:64,723,004, A>G on the plus strand (T>C on the coding strand, the complement: GNS is on the minus strand). VCF-style: chr12-64723004-A-G. GRCh37 (hg19) VCF-style: chr12-65116784-A-G.
Identifiers: ClinVar variation 842217 (VCV000842217.13), dbSNP rs750645480, ClinGen allele CA6669701.
Genomic context (GRCh38, chr12:64,723,004, plus strand): 5'-ACCAGCACCTTGCCATGTTGTCAGTGAGAAAGCTGTCTAAGTTGATTCAAGCTATTACTC[A>G]CAGATACGCCAGGACTCAGGGAAGGGCATGTTGGGTCAGTGACGTTACGGCCTTCTCCTT-3'